The following is an entry in ClinVar:

NM_000051.4(ATM):c.7301C>T (p.Thr2434Ile)

Genes: ATM (ATM serine/threonine kinase; plus strand), C11orf65 (chromosome 11 open reading frame 65; minus strand). Cytogenetic location: 11q22.3.
Variant type: single nucleotide variant.
Coding change: c.7301C>T on transcript NM_000051.4 (MANE Select); coding-DNA position 7301, C replaced by T.
Protein change: p.Thr2434Ile; replaces threonine 2434 with isoleucine.
Molecular consequence: missense variant. On other transcripts: intron variant (2).
Genome position (GRCh38, 1-based): chr11:108,329,232, C>T. VCF-style: chr11-108329232-C-T. GRCh37 (hg19) VCF-style: chr11-108199959-C-T.
Other names: c.7301C>T, p.Thr2434Ile (NM_001351834.2); c.641-20161G>A (NM_001330368.2); c.*38+5988G>A (NM_001351110.2); short protein forms T2434I.
Identifiers: ClinVar variation 1514898 (VCV001514898.12), dbSNP rs2136423951, ClinGen allele CA382559833.

ClinVar aggregate classification (germline): Uncertain significance. Review status: criteria provided, multiple submitters, no conflicts (2 of 4 stars). 2 submissions from 2 submitters: Uncertain significance (2). Last evaluated 2024-12-17.

Conditions:
Ataxia-telangiectasia syndrome (AT). Also called: LOUIS-BAR SYNDROME; Cerebello-oculocutaneous telangiectasia; Immunodeficiency with ataxia telangiectasia; Ataxia telangiectasia (A-T); Ataxia-telangiectasia, complementation group D; AT, COMPLEMENTATION GROUP C. Identifiers: Orphanet 100, MedGen C0004135, MONDO:0008840, OMIM 208900.
Hereditary cancer-predisposing syndrome. Also called: Neoplastic Syndromes, Hereditary; Tumor predisposition; Hereditary Cancer Syndrome; Hereditary neoplastic syndrome. Identifiers: Orphanet 140162, MedGen C0027672, MeSH D009386, MONDO:0015356.

Submissions (2):

Ambry Genetics
Classification: Uncertain significance for Hereditary cancer-predisposing syndrome. Last evaluated: 2024-12-17. Review status: criteria provided, single submitter. Criteria: Ambry Variant Classification Scheme 2023. Collection method: clinical testing. Allele origin: germline.
Comment: The p.T2434I variant (also known as c.7301C>T), located in coding exon 48 of the ATM gene, results from a C to T substitution at nucleotide position 7301. The threonine at codon 2434 is replaced by isoleucine, an amino acid with similar properties. This amino acid position is not well conserved in available vertebrate species. In addition, this alteration is predicted to be tolerated by in silico analysis. Based on the available evidence, the clinical significance of this variant remains unclear.

Labcorp Genetics (formerly Invitae), Labcorp
Classification: Uncertain significance for Ataxia-telangiectasia syndrome. Last evaluated: 2021-06-22. Review status: criteria provided, single submitter. Criteria: Invitae Variant Classification Sherloc (09022015). Collection method: clinical testing. Allele origin: germline.
Comment: This sequence change replaces threonine with isoleucine at codon 2434 of the ATM protein (p.Thr2434Ile). The threonine residue is moderately conserved and there is a moderate physicochemical difference between threonine and isoleucine. This variant is not present in population databases (ExAC no frequency). This variant has not been reported in the literature in individuals with ATM-related conditions. Advanced modeling of protein sequence and biophysical properties (such as structural, functional, and spatial information, amino acid conservation, physicochemical variation, residue mobility, and thermodynamic stability) performed at Invitae indicates that this missense variant is not expected to disrupt ATM protein function. In summary, the available evidence is currently insufficient to determine the role of this variant in disease. Therefore, it has been classified as a Variant of Uncertain Significance.